The following is an entry in ClinVar:

NM_003906.5(MCM3AP):c.3998T>C (p.Leu1333Pro)

Gene: MCM3AP (minichromosome maintenance complex component 3 associated protein; minus strand). Cytogenetic location: 21q22.3.
Variant type: single nucleotide variant.
Coding change: c.3998T>C on transcript NM_003906.5 (MANE Select); coding-DNA position 3998, T replaced by C.
Protein change: p.Leu1333Pro; replaces leucine 1333 with proline.
Molecular consequence: missense variant.
Genome position (GRCh38, 1-based): chr21:46,254,779, A>G on the plus strand (T>C on the coding strand, the complement: MCM3AP is on the minus strand). VCF-style: chr21-46254779-A-G. GRCh37 (hg19) VCF-style: chr21-47674693-A-G.
Other names: short protein forms L1333P.
Identifiers: ClinVar variation 2193988 (VCV002193988.1), dbSNP rs974753020, ClinGen allele CA321981028.

ClinVar aggregate classification (germline): Uncertain significance (1 of 4 stars; one submission).

Allele frequency attached by ClinVar (database versions not stated): gnomAD exomes below 0.00001; TOPMed below 0.00001.
gnomAD v4.1: 4 of 1,613,652 alleles (0.00025%); highest among the groups gnomAD compares: Admixed American, 0.0033%; no homozygotes.

Submission:

Labcorp Genetics (formerly Invitae), Labcorp
Classification: Uncertain significance. Last evaluated: 2022-10-16. Review status: criteria provided, single submitter. Criteria: Invitae Variant Classification Sherloc (09022015). Collection method: clinical testing. Allele origin: germline.
Comment: This sequence change replaces leucine, which is neutral and non-polar, with proline, which is neutral and non-polar, at codon 1333 of the MCM3AP protein (p.Leu1333Pro). This variant is present in population databases (no rsID available, gnomAD 0.003%). This variant has not been reported in the literature in individuals affected with MCM3AP-related conditions. Algorithms developed to predict the effect of missense changes on protein structure and function (SIFT, PolyPhen-2, Align-GVGD) all suggest that this variant is likely to be disruptive. In summary, the available evidence is currently insufficient to determine the role of this variant in disease. Therefore, it has been classified as a Variant of Uncertain Significance.